The following is an entry in ClinVar:

NM_053025.4(MYLK):c.1183G>T (p.Val395Leu)

Gene: MYLK (myosin light chain kinase; minus strand). Cytogenetic location: 3q21.1.
Variant type: single nucleotide variant.
Coding change: c.1183G>T on transcript NM_053025.4 (MANE Select); coding-DNA position 1183, G replaced by T.
Protein change: p.Val395Leu; replaces valine 395 with leucine.
Molecular consequence: missense variant.
Genome position (GRCh38, 1-based): chr3:123,733,813, C>A on the plus strand (G>T on the coding strand, the complement: MYLK is on the minus strand). VCF-style: chr3-123733813-C-A. GRCh37 (hg19) VCF-style: chr3-123452660-C-A.
Other names: c.655G>T, p.Val219Leu (NM_001321309.2); c.1183G>T, p.Val395Leu (NM_053026.4, NM_053027.4, NM_053028.4); short protein forms V219L, V395L.
Identifiers: ClinVar variation 3607141 (VCV003607141.2).
Genomic context (GRCh38, chr3:123,733,813, plus strand): 5'-TGGGGAATGCTGAATCCCTCTGGCCCTCCATGGGGATTCTCCTGTTAGCAGCCTTGCTCA[C>A]AACATCTTGGCTCCCCAGGCCAGGCTGCCTGGTGGGGAAGGTGGCTGGACGGGGAGGAGC-3'
Protein context (NP_444253.3, residues 385-405): RQPGLGSQDV[Val395Leu]SKAANRRIPM

ClinVar aggregate classification (germline): Uncertain significance (1 of 4 stars; one submission).

Conditions:
Aortic aneurysm, familial thoracic 7 (AAT7). Also called: AORTIC DISSECTION, FAMILIAL, WITH OR WITHOUT AORTIC ANEURYSM. Identifiers: MedGen C3151077, MONDO:0013418, OMIM 613780.

Submission:

Labcorp Genetics (formerly Invitae), Labcorp
Classification: Uncertain significance for Aortic aneurysm, familial thoracic 7. Last evaluated: 2024-10-02. Review status: criteria provided, single submitter. Criteria: Invitae Variant Classification Sherloc (09022015). Collection method: clinical testing. Allele origin: germline.
Comment: This sequence change replaces valine, which is neutral and non-polar, with leucine, which is neutral and non-polar, at codon 395 of the MYLK protein (p.Val395Leu). This variant is not present in population databases (gnomAD no frequency). This variant has not been reported in the literature in individuals affected with MYLK-related conditions. Invitae Evidence Modeling of protein sequence and biophysical properties (such as structural, functional, and spatial information, amino acid conservation, physicochemical variation, residue mobility, and thermodynamic stability) indicates that this missense variant is not expected to disrupt MYLK protein function with a negative predictive value of 95%. In summary, the available evidence is currently insufficient to determine the role of this variant in disease. Therefore, it has been classified as a Variant of Uncertain Significance.